The following is an entry in ClinVar:

ClinVar aggregate classification (germline): Uncertain significance (1 of 4 stars; one submission).

Submission:

Labcorp Genetics (formerly Invitae), Labcorp
Classification: Uncertain significance. Last evaluated: 2024-10-12. Review status: criteria provided, single submitter. Criteria: Invitae Variant Classification Sherloc (09022015). Collection method: clinical testing. Allele origin: germline.
Comment: This sequence change creates a premature translational stop signal (p.Ser393Phefs*41) in the MICAL1 gene. It is expected to result in an absent or disrupted protein product. However, the current clinical and genetic evidence is not sufficient to establish whether loss-of-function variants in MICAL1 cause disease. This variant is present in population databases (rs780996390, gnomAD 0.007%). This variant has not been reported in the literature in individuals affected with MICAL1-related conditions. In summary, the available evidence is currently insufficient to determine the role of this variant in disease. Therefore, it has been classified as a Variant of Uncertain Significance.

NM_022765.4(MICAL1):c.1120_1121del (p.Ser374fs)

Gene: MICAL1 (microtubule associated monooxygenase, calponin and LIM domain containing 1; minus strand). Cytogenetic location: 6q21.
Variant type: Microsatellite.
Coding change: c.1120_1121del on transcript NM_022765.4 (MANE Select); coding-DNA positions 1120 to 1121, 2 bases deleted (AG; older notation c.1120_1121delAG).
Protein change: p.Ser374fs; shifts the reading frame from serine 374.
Molecular consequence: frameshift variant. On other transcripts: intron variant (1).
Genome position (GRCh38, 1-based): chr6:109,450,370-109,450,371, CT deleted on the plus strand (AG on the coding strand, the reverse complement: MICAL1 is on the minus strand); deleting any 2 consecutive bases within chr6:109,450,370-109,450,375 gives the same sequence; the c. name uses the placement nearest the transcript's 3' end. VCF-style (leftmost placement, unchanged base first): chr6-109450369-ACT-A. GRCh37 (hg19) VCF-style: chr6-109771572-ACT-A.
Other names: c.1177_1178del, p.Ser393fs (NM_001286613.2); c.934-290AG[2] (NM_001159291.2); short protein forms S374fs, S393fs.
Identifiers: ClinVar variation 3616969 (VCV003616969.2).
Genomic context (GRCh38, chr6:109,450,369, plus strand): 5'-GCAGTCCCCCACCAGTCCCAGCAGCAGGCGGGCGCCATGCTTCTCTTGCACACGAGCAGA[ACT>A]CTCTGCCCGCATCATGCTCGTGAAGTCAAAGGCAGAGACATCAGGCTGCCCATGGGCATC-3'